The following is an entry in ClinVar:

NM_000112.4(SLC26A2):c.134A>G (p.Asn45Ser)

Gene: SLC26A2 (solute carrier family 26 member 2; plus strand). Cytogenetic location: 5q32.
Variant type: single nucleotide variant.
Coding change: c.134A>G on transcript NM_000112.4 (MANE Select); coding-DNA position 134, A replaced by G.
Protein change: p.Asn45Ser; replaces asparagine 45 with serine.
Molecular consequence: missense variant.
Genome position (GRCh38, 1-based): chr5:149,977,786, A>G. VCF-style: chr5-149977786-A-G. GRCh37 (hg19) VCF-style: chr5-149357349-A-G.
Other names: short protein forms N45S.
Identifiers: ClinVar variation 1445454 (VCV001445454.3), dbSNP rs773892702, ClinGen allele CA3505208.

ClinVar aggregate classification (germline): Uncertain significance (1 of 4 stars; one submission).

Conditions:
Diastrophic dysplasia (DTD). Also called: Diastrophic dwarfism. Identifiers: Orphanet 628, MedGen C0220726, MONDO:0009107, OMIM 222600.
Atelosteogenesis type II (AO2). Also called: NEONATAL OSSEOUS DYSPLASIA I; Neonatal osseous dysplasia 1; SLC26A2-Related Atelosteogenesis. Identifiers: Orphanet 56304, MedGen C1850554, MONDO:0009727, OMIM 256050.
Multiple epiphyseal dysplasia type 4 (EDM4). Also called: Multiple Epiphyseal Dysplasia, Recessive; MULTIPLE EPIPHYSEAL DYSPLASIA WITH BILAYERED PATELLAE; MULTIPLE EPIPHYSEAL DYSPLASIA WITH CLUBFOOT; MULTIPLE EPIPHYSEAL DYSPLASIA, AUTOSOMAL RECESSIVE; SLC26A2-Related Multiple Epiphyseal Dysplasia. Identifiers: Orphanet 93307, MedGen C1847593, MONDO:0009189, OMIM 226900.
Achondrogenesis, type IB (ACG1B). Also called: Achondrogenesis Type 1B. Identifiers: Orphanet 932, Orphanet 93298, MedGen C0265274, MONDO:0010966, OMIM 600972.

Allele frequency attached by ClinVar (database versions not stated): gnomAD exomes below 0.00001 and 0.00001; ExAC 0.00001; gnomAD 0.00001.
gnomAD v4.1: 5 of 1,613,980 alleles (0.00031%); highest among the groups gnomAD compares: East Asian, 0.0022%; no homozygotes.

Submission:

Labcorp Genetics (formerly Invitae), Labcorp
Classification: Uncertain significance for Atelosteogenesis type II; Multiple epiphyseal dysplasia type 4; Achondrogenesis, type IB; Diastrophic dysplasia. Last evaluated: 2021-11-09. Review status: criteria provided, single submitter. Criteria: Invitae Variant Classification Sherloc (09022015). Collection method: clinical testing. Allele origin: germline.
Comment: This sequence change replaces asparagine, which is neutral and polar, with serine, which is neutral and polar, at codon 45 of the SLC26A2 protein (p.Asn45Ser). This variant is present in population databases (rs773892702, gnomAD 0.006%). This variant has not been reported in the literature in individuals affected with SLC26A2-related conditions. Advanced modeling of protein sequence and biophysical properties (such as structural, functional, and spatial information, amino acid conservation, physicochemical variation, residue mobility, and thermodynamic stability) performed at Invitae indicates that this missense variant is not expected to disrupt SLC26A2 protein function. In summary, the available evidence is currently insufficient to determine the role of this variant in disease. Therefore, it has been classified as a Variant of Uncertain Significance.